The following is an entry in ClinVar:

NM_145004.7(ADAM32):c.1074T>A (p.Thr358=)

Gene: ADAM32 (ADAM metallopeptidase domain 32; plus strand). Cytogenetic location: 8p11.22.
Variant type: single nucleotide variant.
Coding change: c.1074T>A on transcript NM_145004.7 (MANE Select); coding-DNA position 1074, T replaced by A.
Protein change: p.Thr358=; no amino-acid change (threonine 358 retained).
Molecular consequence: synonymous variant. On other transcripts: intron variant (1).
Genome position (GRCh38, 1-based): chr8:39,211,165, T>A. VCF-style: chr8-39211165-T-A. GRCh37 (hg19) VCF-style: chr8-39068684-T-A.
Other names: c.937-10445T>A (NM_001313994.1).
Identifiers: ClinVar variation 2658564 (VCV002658564.24), dbSNP rs61753544, ClinGen allele CA4722321.

ClinVar aggregate classification (germline): Likely benign (1 of 4 stars; one submission).

Allele frequency attached by ClinVar (database versions not stated): 1000 Genomes Project 0.00040; 1000 Genomes Project 30x 0.00062; TOPMed 0.00218; ExAC 0.00230; gnomAD 0.00238; ESP Exome Variant Server 0.00254; gnomAD exomes 0.00430.
gnomAD v4.1: 6,452 of 1,597,412 alleles (0.4%); highest among the groups gnomAD compares: Non-Finnish European, 0.51%; 19 homozygotes.

Submission:

CeGaT Center for Human Genetics Tuebingen
Classification: Likely benign. Last evaluated: 2022-12-01. Review status: criteria provided, single submitter. Criteria: CeGaT Center For Human Genetics Tuebingen Variant Classification Criteria Version 2. Collection method: clinical testing. Allele origin: germline. Affected: yes. Observed: 1 variant allele.
Comment: ADAM32: BP4, BP7, BS2